The following is an entry in ClinVar:

NM_000876.4(IGF2R):c.2858C>T (p.Ser953Leu)

Gene: IGF2R (insulin like growth factor 2 receptor; plus strand). Cytogenetic location: 6q25.3.
Variant type: single nucleotide variant.
Coding change: c.2858C>T on transcript NM_000876.4 (MANE Select); coding-DNA position 2858, C replaced by T.
Protein change: p.Ser953Leu; replaces serine 953 with leucine.
Molecular consequence: missense variant.
Genome position (GRCh38, 1-based): chr6:160,058,084, C>T. VCF-style: chr6-160058084-C-T. GRCh37 (hg19) VCF-style: chr6-160479116-C-T.
Other names: short protein forms S953L.
Identifiers: ClinVar variation 2657104 (VCV002657104.24), dbSNP rs199686579, ClinGen allele CA4082065.

ClinVar aggregate classification (germline): Likely benign (1 of 4 stars; one submission).

Allele frequency attached by ClinVar (database versions not stated): ESP Exome Variant Server 0.00008; ExAC 0.00011; gnomAD exomes 0.00012; TOPMed 0.00013; gnomAD 0.00014.

Submission:

CeGaT Center for Human Genetics Tuebingen
Classification: Likely benign. Last evaluated: 2023-03-01. Review status: criteria provided, single submitter. Criteria: CeGaT Center For Human Genetics Tuebingen Variant Classification Criteria Version 2. Collection method: clinical testing. Allele origin: germline. Affected: yes. Observed: 1 variant allele.
Comment: IGF2R: BP4